The following is an entry in ClinVar:

ClinVar aggregate classification (germline): Uncertain significance. Review status: criteria provided, multiple submitters, no conflicts (2 of 4 stars). 2 submissions from 2 submitters: Uncertain significance (2). Last evaluated 2025-08-30.

Conditions:
Inborn genetic diseases. Identifiers: MedGen C0950123, MeSH D030342.

Allele frequency attached by ClinVar (database versions not stated): gnomAD 0.00017; ExAC 0.00014; TOPMed 0.00017; gnomAD exomes 0.00028; ESP Exome Variant Server 0.00032.
gnomAD v4.1: 428 of 1,613,852 alleles (0.027%); highest among the groups gnomAD compares: Non-Finnish European, 0.035%; 1 homozygote.

Submissions (2):

Ambry Genetics
Classification: Uncertain significance for Inborn genetic diseases. Last evaluated: 2025-08-30. Review status: criteria provided, single submitter. Criteria: Ambry Variant Classification Scheme 2023. Collection method: clinical testing. Allele origin: germline.

Labcorp Genetics (formerly Invitae), Labcorp
Classification: Uncertain significance. Last evaluated: 2024-06-20. Review status: criteria provided, single submitter. Criteria: Invitae Variant Classification Sherloc (09022015). Collection method: clinical testing. Allele origin: germline.
Comment: This sequence change replaces lysine, which is basic and polar, with asparagine, which is neutral and polar, at codon 1561 of the ROBO1 protein (p.Lys1561Asn). This variant is present in population databases (rs199657294, gnomAD 0.04%). This variant has not been reported in the literature in individuals affected with ROBO1-related conditions. ClinVar contains an entry for this variant (Variation ID: 2067862). Advanced modeling of protein sequence and biophysical properties (such as structural, functional, and spatial information, amino acid conservation, physicochemical variation, residue mobility, and thermodynamic stability) performed at Invitae indicates that this missense variant is not expected to disrupt ROBO1 protein function with a negative predictive value of 95%. In summary, the available evidence is currently insufficient to determine the role of this variant in disease. Therefore, it has been classified as a Variant of Uncertain Significance.

NM_002941.4(ROBO1):c.4683A>C (p.Lys1561Asn)

Gene: ROBO1 (roundabout guidance receptor 1; minus strand). Cytogenetic location: 3p12.3.
Variant type: single nucleotide variant.
Coding change: c.4683A>C on transcript NM_002941.4 (MANE Select); coding-DNA position 4683, A replaced by C.
Protein change: p.Lys1561Asn; replaces lysine 1561 with asparagine.
Molecular consequence: missense variant.
Genome position (GRCh38, 1-based): chr3:78,606,794, T>G on the plus strand (A>C on the coding strand, the complement: ROBO1 is on the minus strand). VCF-style: chr3-78606794-T-G. GRCh37 (hg19) VCF-style: chr3-78655944-T-G.
Other names: c.4548A>C, p.Lys1516Asn (NM_001145844.1, NM_133631.4); c.4383A>C, p.Lys1461Asn (NM_001145845.2); c.4683A>C (NM_002941.3); short protein forms K1516N, K1561N, K1461N.
Identifiers: ClinVar variation 2067862 (VCV002067862.7), dbSNP rs199657294, ClinGen allele CA2497998.